The following is an entry in ClinVar:

NM_001004334.4(GPR179):c.1037C>T (p.Pro346Leu)

Gene: GPR179 (G protein-coupled receptor 179; minus strand). Cytogenetic location: 17q12.
Variant type: single nucleotide variant.
Coding change: c.1037C>T on transcript NM_001004334.4 (MANE Select); coding-DNA position 1037, C replaced by T.
Protein change: p.Pro346Leu; replaces proline 346 with leucine.
Molecular consequence: missense variant.
Genome position (GRCh38, 1-based): chr17:38,337,168, G>A on the plus strand (C>T on the coding strand, the complement: GPR179 is on the minus strand). VCF-style: chr17-38337168-G-A. GRCh37 (hg19) VCF-style: chr17-36493051-G-A.
Other names: c.1037C>T (NM_001004334.2); short protein forms P346L.
Identifiers: ClinVar variation 1426307 (VCV001426307.4), dbSNP rs995893284, ClinGen allele CA290109425.

ClinVar aggregate classification (germline): Uncertain significance. Review status: criteria provided, multiple submitters, no conflicts (2 of 4 stars). 2 submissions from 2 submitters: Uncertain significance (2). Last evaluated 2025-12-09.

Conditions:
Inborn genetic diseases. Identifiers: MedGen C0950123, MeSH D030342.

Allele frequency attached by ClinVar (database versions not stated): gnomAD exomes 0.00002 and 0.00001; TOPMed 0.00002.
gnomAD v4.1: 8 of 1,613,004 alleles (0.0005%); highest among the groups gnomAD compares: Admixed American, 0.005%; no homozygotes.

Submissions (2):

Ambry Genetics
Classification: Uncertain significance for Inborn genetic diseases. Last evaluated: 2025-12-09. Review status: criteria provided, single submitter. Criteria: Ambry Variant Classification Scheme 2023. Collection method: clinical testing. Allele origin: germline.

Labcorp Genetics (formerly Invitae), Labcorp
Classification: Uncertain significance. Last evaluated: 2022-10-13. Review status: criteria provided, single submitter. Criteria: Invitae Variant Classification Sherloc (09022015). Collection method: clinical testing. Allele origin: germline.
Comment: This sequence change replaces proline, which is neutral and non-polar, with leucine, which is neutral and non-polar, at codon 346 of the GPR179 protein (p.Pro346Leu). This variant is present in population databases (no rsID available, gnomAD 0.009%). This variant has not been reported in the literature in individuals affected with GPR179-related conditions. ClinVar contains an entry for this variant (Variation ID: 1426307). Algorithms developed to predict the effect of missense changes on protein structure and function output the following: SIFT: "Tolerated"; PolyPhen-2: "Benign"; Align-GVGD: "Class C0". The leucine amino acid residue is found in multiple mammalian species, which suggests that this missense change does not adversely affect protein function. In summary, the available evidence is currently insufficient to determine the role of this variant in disease. Therefore, it has been classified as a Variant of Uncertain Significance.